The following is an entry in ClinVar:

NM_006514.4(SCN10A):c.3805-156C>T

Gene: SCN10A (sodium voltage-gated channel alpha subunit 10; minus strand). Cytogenetic location: 3p22.2.
Variant type: single nucleotide variant.
Coding change: c.3805-156C>T on transcript NM_006514.4 (MANE Select); 156 bases into the intron before coding-DNA position 3805, C replaced by T.
Molecular consequence: intron variant.
Genome position (GRCh38, 1-based): chr3:38,712,601, G>A on the plus strand (C>T on the coding strand, the complement: SCN10A is on the minus strand). VCF-style: chr3-38712601-G-A. GRCh37 (hg19) VCF-style: chr3-38754092-G-A.
Other names: c.3511-156C>T (NM_001293307.2); c.3802-156C>T (NM_001293306.2).
Identifiers: ClinVar variation 676400 (VCV000676400.1), dbSNP rs7372672, ClinGen allele CA72950630.

ClinVar aggregate classification (germline): Benign (1 of 4 stars; one submission).

Allele frequency attached by ClinVar (database versions not stated): 1000 Genomes Project 30x 0.03404; 1000 Genomes Project 0.03435; TOPMed 0.04021; gnomAD 0.04099 and 0.04133.
gnomAD v4.1: 6,247 of 152,294 alleles (4.1%); highest among the groups gnomAD compares: Admixed American, 8%; 180 homozygotes.

Submission:

GeneDx
Classification: Benign. Last evaluated: 2018-06-13. Review status: criteria provided, single submitter. Criteria: GeneDx Variant Classification (06012015). Collection method: clinical testing. Allele origin: germline. Affected: yes.
Comment: This variant is considered likely benign or benign based on one or more of the following criteria: it is a conservative change, it occurs at a poorly conserved position in the protein, it is predicted to be benign by multiple in silico algorithms, and/or has population frequency not consistent with disease.